The following is an entry in ClinVar:

ClinVar aggregate classification (germline): Pathogenic (1 of 4 stars; one submission).

Conditions:
Inborn genetic diseases. Identifiers: MedGen C0950123, MeSH D030342.

Submission:

Ambry Genetics
Classification: Pathogenic for Inborn genetic diseases. Last evaluated: 2024-05-29. Review status: criteria provided, single submitter. Criteria: Ambry Variant Classification Scheme 2023. Collection method: clinical testing. Allele origin: germline.
Comment: The c.4693dupG (p.E1565Gfs*22) alteration, located in exon 41 (coding exon 40) of the NALCN gene, consists of a duplication of G at position 4693, causing a translational frameshift with a predicted alternate stop codon after 22 amino acids. This alteration is expected to result in loss of function by premature protein truncation or nonsense-mediated mRNA decay. for autosomal recessive infantile hypotonia with psychomotor retardation and characteristic facies; however, its clinical significance for autosomal dominant congenital contractures of the limbs and face, hypotonia, and developmental delay is uncertain. This variant was not reported in population-based cohorts in the Genome Aggregation Database (gnomAD). Based on the available evidence, this alteration is classified as pathogenic.

NM_052867.4(NALCN):c.4693dup (p.Glu1565fs)

Gene: NALCN (sodium leak channel, non-selective; minus strand). Cytogenetic location: 13q32.3.
Variant type: Duplication.
Coding change: c.4693dup on transcript NM_052867.4 (MANE Select); coding-DNA position 4693, one base duplicated (G; older notation c.4693dupG).
Protein change: p.Glu1565fs; shifts the reading frame from glutamic acid 1565.
Molecular consequence: frameshift variant.
Genome position (GRCh38, 1-based): chr13:101,062,030, C duplicated on the plus strand (G on the coding strand, the reverse complement: NALCN is on the minus strand); the first of 2 consecutive C bases (chr13:101,062,030-101,062,031); duplicating either gives the same sequence. VCF-style (leftmost placement, unchanged base first): chr13-101062029-T-TC. GRCh37 (hg19) VCF-style: chr13-101714381-T-TC.
Other names: c.4780dup, p.Glu1594fs (NM_001350748.2); c.4693dup, p.Glu1565fs (NM_001350749.2); c.4606dup, p.Glu1536fs (NM_001350750.2, NM_001350751.2); short protein forms E1565fs, E1594fs, E1536fs.
Identifiers: ClinVar variation 3298401 (VCV003298401.1).